The following is an entry in ClinVar:

ClinVar aggregate classification (germline): Uncertain significance (1 of 4 stars; one submission).

Conditions:
DPAGT1-congenital disorder of glycosylation. Also called: CDG Ij; DPAGT1-CDG; CONGENITAL DISORDER OF GLYCOSYLATION, TYPE Ij. Identifiers: Orphanet 86309, MedGen C2931004, MONDO:0011964, OMIM 608093.
Congenital myasthenic syndrome 13 (CMS13). Also called: Myasthenic syndrome, congenital, 13, with tubular aggregates; Myasthenic syndrome, congenital, with tubular aggregates 2. Identifiers: Orphanet 353327, Orphanet 590, MedGen C3553645, MONDO:0013883, OMIM 614750.

Submission:

Labcorp Genetics (formerly Invitae), Labcorp
Classification: Uncertain significance for Congenital myasthenic syndrome 13; DPAGT1-congenital disorder of glycosylation. Last evaluated: 2022-08-15. Review status: criteria provided, single submitter. Criteria: Invitae Variant Classification Sherloc (09022015). Collection method: clinical testing. Allele origin: germline.
Comment: This variant has not been reported in the literature in individuals affected with DPAGT1-related conditions. This variant is not present in population databases (gnomAD no frequency). This sequence change falls in intron 8 of the DPAGT1 gene. It does not directly change the encoded amino acid sequence of the DPAGT1 protein. It affects a nucleotide within the consensus splice site. ClinVar contains an entry for this variant (Variation ID: 857268). In summary, the available evidence is currently insufficient to determine the role of this variant in disease. Therefore, it has been classified as a Variant of Uncertain Significance. Variants that disrupt the consensus splice site are a relatively common cause of aberrant splicing (PMID: 17576681, 9536098). Algorithms developed to predict the effect of sequence changes on RNA splicing suggest that this variant may disrupt the consensus splice site.

Literature cited by the submitters: PubMed 17576681; PubMed 9536098.

NM_001382.4(DPAGT1):c.1161+5G>A

Gene: DPAGT1 (dolichyl-phosphate N-acetylglucosaminephosphotransferase 1; minus strand). Cytogenetic location: 11q23.3.
Variant type: single nucleotide variant.
Coding change: c.1161+5G>A on transcript NM_001382.4 (MANE Select); 5 bases into the intron after coding-DNA position 1161, G replaced by A.
Molecular consequence: intron variant.
Genome position (GRCh38, 1-based): chr11:119,097,137, C>T on the plus strand (G>A on the coding strand, the complement: DPAGT1 is on the minus strand). VCF-style: chr11-119097137-C-T. GRCh37 (hg19) VCF-style: chr11-118967847-C-T.
Identifiers: ClinVar variation 857268 (VCV000857268.9), dbSNP rs1946410970, ClinGen allele CA916083278.